The following is an entry in ClinVar:

NM_015466.4(PTPN23):c.2099G>A (p.Arg700His)

Gene: PTPN23 (protein tyrosine phosphatase non-receptor type 23; plus strand). Cytogenetic location: 3p21.31.
Variant type: single nucleotide variant.
Coding change: c.2099G>A on transcript NM_015466.4 (MANE Select); coding-DNA position 2099, G replaced by A.
Protein change: p.Arg700His; replaces arginine 700 with histidine.
Molecular consequence: missense variant.
Genome position (GRCh38, 1-based): chr3:47,409,804, G>A. VCF-style: chr3-47409804-G-A. GRCh37 (hg19) VCF-style: chr3-47451294-G-A.
Other names: c.1721G>A, p.Arg574His (NM_001304482.2); short protein forms R574H, R700H.
Identifiers: ClinVar variation 1373464 (VCV001373464.7), dbSNP rs758841754, ClinGen allele CA2365910.

ClinVar aggregate classification (germline): Uncertain significance. Review status: criteria provided, multiple submitters, no conflicts (2 of 4 stars). 2 submissions from 2 submitters: Uncertain significance (2). Last evaluated 2023-08-10.

Allele frequency attached by ClinVar (database versions not stated): TOPMed 0.00003; gnomAD exomes below 0.00001 and 0.00003; gnomAD 0.00001; ExAC 0.00003.
gnomAD v4.1: 4 of 1,609,170 alleles (0.00025%); highest among the groups gnomAD compares: East Asian, 0.0022%; no homozygotes.

Submissions (2):

Labcorp Genetics (formerly Invitae), Labcorp
Classification: Uncertain significance. Last evaluated: 2023-08-10. Review status: criteria provided, single submitter. Criteria: Invitae Variant Classification Sherloc (09022015). Collection method: clinical testing. Allele origin: germline.
Comment: In summary, the available evidence is currently insufficient to determine the role of this variant in disease. Therefore, it has been classified as a Variant of Uncertain Significance. Experimental studies and prediction algorithms are not available or were not evaluated, and the functional significance of this variant is currently unknown. ClinVar contains an entry for this variant (Variation ID: 1373464). This variant has not been reported in the literature in individuals affected with PTPN23-related conditions. This variant is present in population databases (rs758841754, gnomAD 0.03%). This sequence change replaces arginine, which is basic and polar, with histidine, which is basic and polar, at codon 700 of the PTPN23 protein (p.Arg700His).

GeneDx
Classification: Uncertain significance. Last evaluated: 2022-06-02. Review status: criteria provided, single submitter. Criteria: GeneDx Variant Classification Process June 2021. Collection method: clinical testing. Allele origin: germline. Affected: yes.
Comment: In silico analysis supports that this missense variant does not alter protein structure/function; Has not been previously published as pathogenic or benign to our knowledge